The following is an entry in ClinVar:

NM_001378418.1(TCF20):c.3893C>T (p.Ser1298Phe)

Gene: TCF20 (transcription factor 20; minus strand). Cytogenetic location: 22q13.2.
Variant type: single nucleotide variant.
Coding change: c.3893C>T on transcript NM_001378418.1 (MANE Select); coding-DNA position 3893, C replaced by T.
Protein change: p.Ser1298Phe; replaces serine 1298 with phenylalanine.
Molecular consequence: missense variant.
Genome position (GRCh38, 1-based): chr22:42,211,413, G>A on the plus strand (C>T on the coding strand, the complement: TCF20 is on the minus strand). VCF-style: chr22-42211413-G-A. GRCh37 (hg19) VCF-style: chr22-42607419-G-A.
Other names: c.3893C>T, p.Ser1298Phe (NM_005650.4, NM_181492.3); short protein forms S1298F.
Identifiers: ClinVar variation 1314599 (VCV001314599.2), dbSNP rs1161058665, ClinGen allele CA411785485.

ClinVar aggregate classification (germline): Uncertain significance (1 of 4 stars; one submission).

Allele frequency attached by ClinVar (database versions not stated): TOPMed below 0.00001.

Submission:

GeneDx
Classification: Uncertain significance. Last evaluated: 2021-04-14. Review status: criteria provided, single submitter. Criteria: GeneDx Variant Classification Process June 2021. Collection method: clinical testing. Allele origin: germline. Affected: yes.
Comment: Not observed in large population cohorts (Lek et al., 2016); In silico analysis supports that this missense variant does not alter protein structure/function; Has not been previously published as pathogenic or benign to our knowledge